The following is an entry in ClinVar:

NM_006214.4(PHYH):c.636A>G (p.Thr212=)

Gene: PHYH (phytanoyl-CoA 2-hydroxylase; minus strand). Cytogenetic location: 10p13.
Variant type: single nucleotide variant.
Coding change: c.636A>G on transcript NM_006214.4 (MANE Select); coding-DNA position 636, A replaced by G.
Protein change: p.Thr212=; no amino-acid change (threonine 212 retained).
Molecular consequence: synonymous variant. On other transcripts: intron variant (1).
Genome position (GRCh38, 1-based): chr10:13,288,402, T>C on the plus strand (A>G on the coding strand, the complement: PHYH is on the minus strand). VCF-style: chr10-13288402-T-C. GRCh37 (hg19) VCF-style: chr10-13330402-T-C.
Other names: c.336A>G, p.Thr112= (NM_001037537.2, NM_001323080.2); c.642A>G, p.Thr214= (NM_001323082.2); c.342A>G, p.Thr114= (NM_001323084.2); c.415-4563A>G (NM_001323083.2).
Identifiers: ClinVar variation 95349 (VCV000095349.31), dbSNP rs473407, ClinGen allele CA148461.

ClinVar aggregate classification (germline): Benign. Review status: criteria provided, multiple submitters, no conflicts (2 of 4 stars). 12 submissions from 12 submitters: Benign (7). 5 of the submissions do not count toward it. Last evaluated 2026-02-04.

Conditions:
Refsum disease, classic. Also called: HEREDOPATHIA ATACTICA POLYNEURITIFORMIS; HMSN IV; PHYH-Related Refsum Disease; PHYTANIC ACID OXIDASE DEFICIENCY. Identifiers: Orphanet 773, MedGen C5780941, MONDO:1060256, OMIM 266500. Disease mechanism: loss of function.

Allele frequency attached by ClinVar (database versions not stated): gnomAD exomes 0.23333 and 0.24990; ExAC 0.23943; 1000 Genomes Project 30x 0.24360; gnomAD 0.28866 and 0.28138; TOPMed 0.27789; ESP Exome Variant Server 0.29994; 1000 Genomes Project 0.23902.
gnomAD v4.1: 407,263 of 1,613,770 alleles (25%); highest among the groups gnomAD compares: African/African-American, 40%; 53,733 homozygotes.

Submissions (12):

Labcorp Genetics (formerly Invitae), Labcorp
Classification: Benign. Last evaluated: 2026-02-04. Review status: criteria provided, single submitter. Criteria: Invitae Variant Classification Sherloc (09022015). Collection method: clinical testing. Allele origin: germline.

Genome-Nilou Lab
Classification: Benign for Refsum disease, classic. Last evaluated: 2021-09-05. Review status: criteria provided, single submitter. Criteria: ACMG Guidelines, 2015. Collection method: clinical testing. Allele origin: germline. Affected: no.

GeneDx
Classification: Benign. Last evaluated: 2018-06-18. Review status: criteria provided, single submitter. Criteria: GeneDx Variant Classification (06012015). Collection method: clinical testing. Allele origin: germline. Affected: yes.
Comment: This variant is considered likely benign or benign based on one or more of the following criteria: it is a conservative change, it occurs at a poorly conserved position in the protein, it is predicted to be benign by multiple in silico algorithms, and/or has population frequency not consistent with disease.

Illumina Laboratory Services, Illumina
Classification: Benign for Refsum disease, classic. Last evaluated: 2018-01-12. Review status: criteria provided, single submitter. Criteria: ICSL Variant Classification Criteria 13 December 2019. Collection method: clinical testing. Allele origin: germline.
Comment: This variant was observed in the ICSL laboratory as part of a predisposition screen in an ostensibly healthy population. It had not been previously curated by ICSL or reported in the Human Gene Mutation Database (HGMD: prior to June 1st, 2018), and was therefore a candidate for classification through an automated scoring system. Utilizing variant allele frequency, disease prevalence and penetrance estimates, and inheritance mode, an automated score was calculated to assess if this variant is too frequent to cause the disease. Based on the score and internal cut-off values, a variant classified as benign is not then subjected to further curation. The score for this variant resulted in a classification of benign for this disease.

Eurofins Ntd Llc (ga)
Classification: Benign. Last evaluated: 2013-09-19. Review status: criteria provided, single submitter. Criteria: EGL Classification Definitions 2015. Collection method: clinical testing. Allele origin: germline. Observed: 10 variant alleles, 8 heterozygotes, 2 homozygotes.

Breakthrough Genomics
Classification: Benign. Review status: criteria provided, single submitter. Criteria: ACMG Guidelines, 2015. Collection method: not provided. Allele origin: germline. Inheritance: Autosomal recessive inheritance. Affected: yes.

PreventionGenetics, part of Exact Sciences
Classification: Benign. Review status: criteria provided, single submitter. Criteria: ACMG Guidelines, 2015. Collection method: clinical testing. Allele origin: germline.

Mayo Clinic Laboratories, Mayo Clinic
Classification: Benign. Last evaluated: 2015-10-26. Review status: no assertion criteria provided. Collection method: clinical testing. Allele origin: unknown. Not counted in ClinVar's aggregate classification.

Clinical Genetics, Academic Medical Center
Classification: Benign. Review status: no assertion criteria provided. Collection method: clinical testing. Allele origin: germline. Affected: yes. Study: VKGL Data-share Consensus. Not counted in ClinVar's aggregate classification.

Diagnostic Laboratory, Department of Genetics, University Medical Center Groningen
Classification: Benign for Refsum disease, classic. Review status: no assertion criteria provided. Collection method: clinical testing. Allele origin: germline. Affected: yes. Study: VKGL Data-share Consensus. Not counted in ClinVar's aggregate classification.

Genetic Services Laboratory, University of Chicago
Classification: Likely benign for AllHighlyPenetrant. Review status: no assertion criteria provided. Collection method: clinical testing. Allele origin: germline. Inheritance: Autosomal recessive inheritance. Not counted in ClinVar's aggregate classification.
Comment: Likely benign based on allele frequency in 1000 Genomes Project or ESP global frequency and its presence in a patient with a rare or unrelated disease phenotype. NOT Sanger confirmed.

Joint Genome Diagnostic Labs from Nijmegen and Maastricht, Radboudumc and MUMC+
Classification: Benign. Review status: no assertion criteria provided. Collection method: clinical testing. Allele origin: germline. Affected: yes. Study: VKGL Data-share Consensus. Not counted in ClinVar's aggregate classification.